The following is an entry in ClinVar:

NM_006031.6(PCNT):c.6625G>A (p.Ala2209Thr)

Gene: PCNT (pericentrin; plus strand). Cytogenetic location: 21q22.3.
Variant type: single nucleotide variant.
Coding change: c.6625G>A on transcript NM_006031.6 (MANE Select); coding-DNA position 6625, G replaced by A.
Protein change: p.Ala2209Thr; replaces alanine 2209 with threonine.
Molecular consequence: missense variant.
Genome position (GRCh38, 1-based): chr21:46,416,543, G>A. VCF-style: chr21-46416543-G-A. GRCh37 (hg19) VCF-style: chr21-47836457-G-A.
Other names: c.6271G>A, p.Ala2091Thr (NM_001315529.2); short protein forms A2209T, A2091T.
Identifiers: ClinVar variation 287862 (VCV000287862.31), dbSNP rs769183047, ClinGen allele CA10080367.

ClinVar aggregate classification (germline): Uncertain significance. Review status: criteria provided, multiple submitters, no conflicts (2 of 4 stars). 5 submissions from 5 submitters: Uncertain significance (4). 1 of the submissions does not count toward it. Last evaluated 2023-11-01.

Conditions:
PCNT-related disorder. Also called: PCNT-related condition.

Allele frequency attached by ClinVar (database versions not stated): ExAC 0.00007; gnomAD 0.00007 and 0.00008; TOPMed 0.00007; gnomAD exomes 0.00008 and 0.00010.
gnomAD v4.1: 161 of 1,613,270 alleles (0.01%); highest among the groups gnomAD compares: Non-Finnish European, 0.013%; no homozygotes.

Submissions (5):

CeGaT Center for Human Genetics Tuebingen
Classification: Uncertain significance. Last evaluated: 2023-11-01. Review status: criteria provided, single submitter. Criteria: CeGaT Center For Human Genetics Tuebingen Variant Classification Criteria Version 2. Collection method: clinical testing. Allele origin: germline. Affected: yes. Observed: 1 variant allele.
Comment: PCNT: PM2:Supporting, BP4

Women's Health and Genetics/Laboratory Corporation of America, LabCorp
Classification: Uncertain significance. Last evaluated: 2022-07-28. Review status: criteria provided, single submitter. Criteria: LabCorp Variant Classification Summary - May 2015. Collection method: clinical testing. Allele origin: germline.
Comment: Variant summary: PCNT c.6625G>A (p.Ala2209Thr) results in a non-conservative amino acid change in the encoded protein sequence. Three of five in-silico tools predict a benign effect of the variant on protein function. The variant allele was found at a frequency of 8e-05 in 250392 control chromosomes (gnomAD). To our knowledge, no occurrence of c.6625G>A in individuals affected with Microcephalic Osteodysplastic Primordial Dwarfism Type II and no experimental evidence demonstrating its impact on protein function have been reported. Two ClinVar submitters (evaluation after 2014) cite the variant as uncertain significance. Based on the evidence outlined above, the variant was classified as uncertain significance.

Eurofins Ntd Llc (ga)
Classification: Uncertain significance. Last evaluated: 2016-05-02. Review status: criteria provided, single submitter. Criteria: EGL Classification Definitions 2015. Collection method: clinical testing. Allele origin: germline. Observed: 1 variant allele, 1 heterozygote.

GeneDx
Classification: Uncertain significance. Last evaluated: 2015-08-28. Review status: criteria provided, single submitter. Criteria: GeneDx Variant Classification (06012015). Collection method: clinical testing. Allele origin: germline. Affected: yes.
Comment: The A2209T variant has not been published as a pathogenic variant, nor has it been reported as a benign polymorphism to our knowledge. It was not observed in approximately 6,500 individuals of European and African American ancestry in the NHLBI Exome Sequencing Project, indicating it is not a common benign variant in these populations. The A2209T variant is a non-conservative amino acid substitution, which is likely to impact secondary protein structure as these residues differ in polarity, charge, size and/or other properties. However, this substitution occurs at a position that is not conserved, and in silico analysis predicts this variant likely does not alter the protein structure/function. Therefore, based on the currently available information, it is unclear whether this variant is a pathogenic variant or a rare benign variant.

PreventionGenetics, part of Exact Sciences
Classification: Uncertain significance for PCNT-related condition. Last evaluated: 2024-08-14. Review status: no assertion criteria provided. Collection method: clinical testing. Allele origin: germline. Not counted in ClinVar's aggregate classification.
Comment: The PCNT c.6625G>A variant is predicted to result in the amino acid substitution p.Ala2209Thr. To our knowledge, this variant has not been reported in the literature. This variant is reported in 0.017% of alleles in individuals of European (Non-Finnish) descent in gnomAD. At this time, the clinical significance of this variant is uncertain due to the absence of conclusive functional and genetic evidence.